The following is an entry in ClinVar:

ClinVar aggregate classification (germline): Uncertain significance (1 of 4 stars; one submission).

Submission:

GeneDx
Classification: Uncertain significance. Last evaluated: 2025-07-24. Review status: criteria provided, single submitter. Criteria: GeneDx Variant Classification Process June 2021. Collection method: clinical testing. Allele origin: germline. Affected: yes.
Comment: Not observed at significant frequency in large population cohorts (gnomAD); In silico analysis suggests that this missense variant does not alter protein structure/function; Has not been previously published as pathogenic or benign to our knowledge

NM_019032.6(ADAMTSL4):c.1685G>T (p.Arg562Met)

Genes: ADAMTSL4 (ADAMTS like 4; plus strand), ADAMTSL4-AS2 (ADAMTSL4 antisense RNA 2; minus strand). Cytogenetic location: 1q21.2.
Variant type: single nucleotide variant.
Coding change: c.1685G>T on transcript NM_019032.6 (MANE Select); coding-DNA position 1685, G replaced by T.
Protein change: p.Arg562Met; replaces arginine 562 with methionine.
Molecular consequence: missense variant.
Genome position (GRCh38, 1-based): chr1:150,556,729, G>T. VCF-style: chr1-150556729-G-T. GRCh37 (hg19) VCF-style: chr1-150529205-G-T.
Other names: c.1754G>T, p.Arg585Met (NM_001288607.2, NM_001288608.2); c.1685G>T, p.Arg562Met (NM_001378596.1, NM_025008.5); short protein forms R562M, R585M.
Identifiers: ClinVar variation 4687000 (VCV004687000.1).